The following is an entry in ClinVar:

NM_001166108.2(PALLD):c.1965-12665G>C

Gene: PALLD (palladin, cytoskeletal associated protein; plus strand). Cytogenetic location: 4q32.3.
Variant type: single nucleotide variant.
Coding change: c.1965-12665G>C on transcript NM_001166108.2 (MANE Select); 12665 bases into the intron before coding-DNA position 1965, G replaced by C.
Molecular consequence: intron variant. On other transcripts: missense variant (1).
Genome position (GRCh38, 1-based): chr4:168,878,257, G>C. VCF-style: chr4-168878257-G-C. GRCh37 (hg19) VCF-style: chr4-169799408-G-C.
Other names: c.366G>C, p.Gln122His (NM_001166110.2); c.1965-12665G>C (NM_016081.4, NM_001166108.1); c.819-12665G>C (NM_001166109.2); c.-157-12665G>C (NM_001367570.1, NM_001367568.1, NM_001367567.1 and 1 more transcripts); short protein forms Q122H.
Identifiers: ClinVar variation 136005 (VCV000136005.54), dbSNP rs535155432, ClinGen allele CA332739.

ClinVar aggregate classification (germline): Benign/Likely benign. Review status: criteria provided, multiple submitters, no conflicts (2 of 4 stars). 8 submissions from 8 submitters: Benign (5); Likely benign (3). Last evaluated 2026-01-19.

Conditions:
Pancreatic adenocarcinoma. Identifiers: MedGen C0281361, MONDO:0006047, HP:0006725.
Pancreatic cancer, susceptibility to, 1. Identifiers: Orphanet 1333, MedGen C1847351, MONDO:0011739, OMIM 606856.

Allele frequency attached by ClinVar (database versions not stated): gnomAD 0.00111 and 0.00122; TOPMed 0.00146; 1000 Genomes Project 0.00160; 1000 Genomes Project 30x 0.00281.
gnomAD v4.1: 1,249 of 1,524,610 alleles (0.082%); highest among the groups gnomAD compares: Admixed American, 0.89%; 7 homozygotes.

Submissions (8):

Labcorp Genetics (formerly Invitae), Labcorp
Classification: Benign for Pancreatic adenocarcinoma. Last evaluated: 2026-01-19. Review status: criteria provided, single submitter. Criteria: Invitae Variant Classification Sherloc (09022015). Collection method: clinical testing. Allele origin: germline.

KCCC/NGS Laboratory, Kuwait Cancer Control Center
Classification: Benign for Pancreatic cancer, susceptibility to, 1. Last evaluated: 2025-02-01. Review status: criteria provided, single submitter. Criteria: ACMG Guidelines, 2015. Collection method: clinical testing. Allele origin: germline. Affected: no.

Blueprint Genetics
Classification: Likely benign. Last evaluated: 2024-11-25. Review status: criteria provided, single submitter. Criteria: ACMG Guidelines, 2015. Collection method: clinical testing. Allele origin: germline.

Ambry Genetics
Classification: Benign. Last evaluated: 2024-10-29. Review status: criteria provided, single submitter. Criteria: Ambry Variant Classification Scheme 2023. Collection method: clinical testing. Allele origin: germline.

CeGaT Center for Human Genetics Tuebingen
Classification: Benign. Last evaluated: 2022-06-01. Review status: criteria provided, single submitter. Criteria: CeGaT Center For Human Genetics Tuebingen Variant Classification Criteria Version 2. Collection method: clinical testing. Allele origin: germline. Affected: yes. Observed: 2 variant alleles.
Comment: PALLD: BS1, BS2

Department of Pathology and Laboratory Medicine, Sinai Health System
Classification: Likely benign for Pancreatic cancer, susceptibility to, 1. Last evaluated: 2021-07-30. Review status: criteria provided, single submitter. Criteria: ACMG Guidelines, 2015. Collection method: research. Allele origin: germline.

GeneDx
Classification: Benign. Last evaluated: 2020-05-13. Review status: criteria provided, single submitter. Criteria: GeneDx Variant Classification Process June 2021. Collection method: clinical testing. Allele origin: germline. Affected: yes.

Breakthrough Genomics
Classification: Likely benign. Review status: criteria provided, single submitter. Criteria: ACMG Guidelines, 2015. Collection method: not provided. Allele origin: germline. Inheritance: Autosomal dominant inheritance. Affected: yes.